The following is an entry in ClinVar:

ClinVar aggregate classification (germline): Likely pathogenic (1 of 4 stars; one submission).

Submission:

Labcorp Genetics (formerly Invitae), Labcorp
Classification: Likely pathogenic. Last evaluated: 2023-09-03. Review status: criteria provided, single submitter. Criteria: Invitae Variant Classification Sherloc (09022015). Collection method: clinical testing. Allele origin: germline.
Comment: This sequence change affects an acceptor splice site in intron 25 of the CCDC88A gene. It is expected to disrupt RNA splicing. Variants that disrupt the donor or acceptor splice site typically lead to a loss of protein function (PMID: 16199547), and loss-of-function variants in CCDC88A are known to be pathogenic (PMID: 26917597, 30392057). This variant is not present in population databases (gnomAD no frequency). This variant has not been reported in the literature in individuals affected with CCDC88A-related conditions. Algorithms developed to predict the effect of sequence changes on RNA splicing suggest that this variant may disrupt the consensus splice site. In summary, the currently available evidence indicates that the variant is pathogenic, but additional data are needed to prove that conclusively. Therefore, this variant has been classified as Likely Pathogenic.

Literature cited by the submitters: PubMed 16199547; PubMed 26917597; PubMed 30392057.

NM_001365480.1(CCDC88A):c.4388-1G>A

Gene: CCDC88A (coiled-coil and HOOK domain protein 88A; minus strand). Cytogenetic location: 2p16.1.
Variant type: single nucleotide variant.
Coding change: c.4388-1G>A on transcript NM_001365480.1 (MANE Select); the canonical splice acceptor site of the intron before coding-DNA position 4388, G replaced by A.
Molecular consequence: splice acceptor variant. On other transcripts: intron variant (1).
Genome position (GRCh38, 1-based): chr2:55,303,153, C>T on the plus strand (G>A on the coding strand, the complement: CCDC88A is on the minus strand). VCF-style: chr2-55303153-C-T. GRCh37 (hg19) VCF-style: chr2-55530289-C-T.
Other names: c.4385-1G>A (NM_001254943.2, NM_001135597.2); c.4388-1081G>A (NM_018084.5).
Identifiers: ClinVar variation 2851719 (VCV002851719.3), dbSNP rs2544730849, ClinGen allele CA346914227.